The following is an entry in ClinVar:

NM_018127.7(ELAC2):c.1171C>G (p.Leu391Val)

Gene: ELAC2 (elaC ribonuclease Z 2; minus strand). Cytogenetic location: 17p12.
Variant type: single nucleotide variant.
Coding change: c.1171C>G on transcript NM_018127.7 (MANE Select); coding-DNA position 1171, C replaced by G.
Protein change: p.Leu391Val; replaces leucine 391 with valine.
Molecular consequence: missense variant.
Genome position (GRCh38, 1-based): chr17:13,002,488, G>C on the plus strand (C>G on the coding strand, the complement: ELAC2 is on the minus strand). VCF-style: chr17-13002488-G-C. GRCh37 (hg19) VCF-style: chr17-12905805-G-C.
Other names: c.1051C>G, p.Leu351Val (NM_001165962.2); c.1171C>G, p.Leu391Val (NM_173717.2); short protein forms L391V, L351V.
Identifiers: ClinVar variation 2089962 (VCV002089962.4), dbSNP rs1398310385, ClinGen allele CA398225391.

ClinVar aggregate classification (germline): Uncertain significance (1 of 4 stars; one submission).

Conditions:
Combined oxidative phosphorylation defect type 17. Also called: Combined oxidative phosphorylation deficiency 17. Identifiers: Orphanet 369913, MedGen C3809526, MONDO:0014190, OMIM 615440.

Submission:

Labcorp Genetics (formerly Invitae), Labcorp
Classification: Uncertain significance for Combined oxidative phosphorylation defect type 17. Last evaluated: 2022-05-21. Review status: criteria provided, single submitter. Criteria: Invitae Variant Classification Sherloc (09022015). Collection method: clinical testing. Allele origin: germline.
Comment: This sequence change replaces leucine, which is neutral and non-polar, with valine, which is neutral and non-polar, at codon 391 of the ELAC2 protein (p.Leu391Val). This variant is not present in population databases (gnomAD no frequency). This variant has not been reported in the literature in individuals affected with ELAC2-related conditions. Algorithms developed to predict the effect of missense changes on protein structure and function are either unavailable or do not agree on the potential impact of this missense change (SIFT: "Tolerated"; PolyPhen-2: "Possibly Damaging"; Align-GVGD: "Class C0"). In summary, the available evidence is currently insufficient to determine the role of this variant in disease. Therefore, it has been classified as a Variant of Uncertain Significance.